The following is an entry in ClinVar:

ClinVar aggregate classification (germline): Uncertain significance (1 of 4 stars; one submission).

Submission:

Labcorp Genetics (formerly Invitae), Labcorp
Classification: Uncertain significance. Last evaluated: 2024-12-17. Review status: criteria provided, single submitter. Criteria: Invitae Variant Classification Sherloc (09022015). Collection method: clinical testing. Allele origin: germline.
Comment: This sequence change creates a premature translational stop signal (p.Phe1143Leufs*36) in the KANK1 gene. It is expected to result in an absent or disrupted protein product. However, the current clinical and genetic evidence is not sufficient to establish whether loss-of-function variants in KANK1 cause disease. This variant is not present in population databases (gnomAD no frequency). This variant has not been reported in the literature in individuals affected with KANK1-related conditions. In summary, the available evidence is currently insufficient to determine the role of this variant in disease. Therefore, it has been classified as a Variant of Uncertain Significance.

NM_015158.5(KANK1):c.3429del (p.Phe1143fs)

Genes: KANK1 (KN motif and ankyrin repeat domains 1; plus strand), LOC126860554 (MED14-independent group 3 enhancer GRCh37_chr9:737889-739088; plus strand). Cytogenetic location: 9p24.3.
Variant type: Deletion.
Coding change: c.3429del on transcript NM_015158.5 (MANE Select); coding-DNA position 3429, one base deleted (T; older notation c.3429delT).
Protein change: p.Phe1143fs; shifts the reading frame from phenylalanine 1143.
Molecular consequence: frameshift variant. On other transcripts: non-coding transcript variant (1).
Genome position (GRCh38, 1-based): chr9:738,380, T deleted; the last of 4 consecutive T bases (chr9:738,377-738,380); deleting any one gives the same sequence. VCF-style (leftmost placement, unchanged base first): chr9-738376-CT-C. GRCh37 (hg19) VCF-style: chr9-738376-CT-C.
Other names: c.3429del, p.Phe1143fs (NM_001256876.3, NM_001256877.3, NM_001354334.2); c.3189del, p.Phe1063fs (NM_001354331.2); c.3375del, p.Phe1125fs (NM_001354332.2); c.2955del, p.Phe985fs (NM_001354333.2, NM_001354335.2, NM_001354337.2 and 2 more transcripts); c.2661del, p.Phe887fs (NM_001354336.2); c.2901del, p.Phe967fs (NM_001354338.2, NM_001354340.2, NM_001354344.2); c.2715del, p.Phe905fs (NM_001354339.2, NM_001354342.2, NM_001354343.2); short protein forms F1063fs, F1143fs, F905fs, F985fs, F1125fs, F887fs, F967fs.
Identifiers: ClinVar variation 3727427 (VCV003727427.2).
Genomic context (GRCh38, chr9:738,376, plus strand): 5'-GGTTCCGCGTGTCCAGTCAGAAGTCAGCCATTCCAGCCATGGTGGGGGACTACATAGCTG[CT>C]TTTGAGGCCATTTCCCCAGATGTCCTCCGCTATGTCATCAACTTGGCAGACGGCAACGGC-3'